The following is an entry in ClinVar:

ClinVar aggregate classification (germline): Benign/Likely benign. Review status: criteria provided, multiple submitters, no conflicts (2 of 4 stars). 5 submissions from 5 submitters: Benign (4); Likely benign (1). Last evaluated 2026-01-19.

Conditions:
Noonan syndrome and Noonan-related syndrome. Identifiers: Orphanet 98733, MedGen C5681679, MONDO:0020297.
RASopathy. Also called: rasopathies; Noonan spectrum disorder. Identifiers: Orphanet 536391, MedGen C5555857, MONDO:0021060.

Allele frequency attached by ClinVar (database versions not stated): TOPMed 0.45483; gnomAD 0.45514 and 0.46850; 1000 Genomes Project 30x 0.50141; 1000 Genomes Project 0.52057.
gnomAD v4.1: 719,005 of 1,341,780 alleles (54%); highest among the groups gnomAD compares: East Asian, 80%; 198,236 homozygotes.

Submissions (5):

Labcorp Genetics (formerly Invitae), Labcorp
Classification: Benign for RASopathy. Last evaluated: 2026-01-19. Review status: criteria provided, single submitter. Criteria: Invitae Variant Classification Sherloc (09022015). Collection method: clinical testing. Allele origin: germline.

Genome Diagnostics Laboratory, The Hospital for Sick Children
Classification: Benign for Noonan syndrome and Noonan-related syndrome. Last evaluated: 2021-07-13. Review status: criteria provided, single submitter. Criteria: ACMG Guidelines, 2015. Collection method: clinical testing. Allele origin: germline.

Blueprint Genetics
Classification: Benign. Last evaluated: 2018-07-04. Review status: criteria provided, single submitter. Criteria: ACMG Guidelines, 2015. Collection method: clinical testing. Allele origin: germline.

GeneDx
Classification: Benign. Last evaluated: 2015-03-03. Review status: criteria provided, single submitter. Criteria: GeneDx Variant Classification Process June 2021. Collection method: clinical testing. Allele origin: germline. Affected: yes.
Comment: This variant is associated with the following publications: (PMID: 24552817, 25961464, 26535719)

Breakthrough Genomics
Classification: Likely benign. Review status: criteria provided, single submitter. Criteria: ACMG Guidelines, 2015. Collection method: not provided. Allele origin: germline. Inheritance: Autosomal dominant inheritance. Affected: yes.

NM_033360.4(KRAS):c.*298T>G

Gene: KRAS (KRas proto-oncogene, GTPase; minus strand). Cytogenetic location: 12p12.1.
Variant type: single nucleotide variant.
Coding change: c.*298T>G on transcript NM_033360.4 (MANE Plus Clinical); 298 bases downstream of the stop codon, T replaced by G.
Molecular consequence: 3 prime UTR variant.
Genome position (GRCh38, 1-based): chr12:25,209,618, A>C on the plus strand (T>G on the coding strand, the complement: KRAS is on the minus strand). VCF-style: chr12-25209618-A-C. GRCh37 (hg19) VCF-style: chr12-25362552-A-C.
Other names: c.*298T>G (NM_001369786.1, LRG_344t2); c.*177T>G (NM_001369787.1, NM_004985.5, LRG_344t1).
Identifiers: ClinVar variation 40467 (VCV000040467.17), dbSNP rs712, ClinGen allele CA10602360.